The following is an entry in ClinVar:

ClinVar aggregate classification (germline): Likely pathogenic (1 of 4 stars; one submission).

Conditions:
ATM-related disorder. Also called: ATM-related disorders; ATM-related condition.

Submission:

Illumina Laboratory Services, Illumina
Classification: Likely pathogenic for ATM-related disorders. Last evaluated: 2020-11-18. Review status: criteria provided, single submitter. Criteria: ICSLVariantClassificationCriteria RUGD 01 April 2020. Collection method: clinical testing. Allele origin: unknown.
Comment: The ATM c.6797_6798delAGinsC (p.Lys2266ThrfsTer44) variant results in a frameshift and is predicted to result in a premature truncation of the protein. A literature search was performed for the gene, cDNA change, and amino acid change. No publications were found based on this search. This variant is not found in the Genome Aggregation Database in a region of good sequence coverage, so the variant is presumed to be rare. Based on the predicted truncating nature of the variant and its rarity, the p.Lys2266ThrfsTer44 variant is classified as likely pathogenic for ATM-related disorders.

NM_000051.4(ATM):c.6798G>C (p.Lys2266Asn)

Genes: ATM (ATM serine/threonine kinase; plus strand), C11orf65 (chromosome 11 open reading frame 65; minus strand). Cytogenetic location: 11q22.3.
Variant type: single nucleotide variant.
Coding change: c.6798G>C on transcript NM_000051.4 (MANE Select); coding-DNA position 6798, G replaced by C.
Protein change: p.Lys2266Asn; replaces lysine 2266 with asparagine.
Molecular consequence: missense variant. On other transcripts: intron variant (2).
Genome position (GRCh38, 1-based): chr11:108,325,535, G>C. VCF-style: chr11-108325535-G-C. GRCh37 (hg19) VCF-style: chr11-108196262-G-C.
Other names: c.6798G>C, p.Lys2266Asn (NM_001351834.2); c.641-16464C>G (NM_001330368.2); c.*38+9685C>G (NM_001351110.2); short protein forms K2266N.
Identifiers: ClinVar variation 1199184 (VCV001199184.6), dbSNP rs2136318895, ClinGen allele CA382555565.